The following is an entry in ClinVar:

ClinVar aggregate classification (germline): Uncertain significance. Review status: criteria provided, multiple submitters, no conflicts (2 of 4 stars). 2 submissions from 2 submitters: Uncertain significance (2). Last evaluated 2024-08-14.

Conditions:
Charcot-Marie-Tooth disease type 2. Also called: Charcot-Marie-Tooth type 2. Identifiers: Orphanet 64746, MedGen C0270914, MONDO:0018993.

Allele frequency attached by ClinVar (database versions not stated): TOPMed 0.00001; gnomAD 0.00001; ExAC 0.00002; ESP Exome Variant Server 0.00008; gnomAD exomes 0.00001.
gnomAD v4.1: 14 of 1,614,114 alleles (0.00087%); highest among the groups gnomAD compares: Non-Finnish European, 0.001%; no homozygotes.

Submissions (2):

Labcorp Genetics (formerly Invitae), Labcorp
Classification: Uncertain significance for Charcot-Marie-Tooth disease type 2. Last evaluated: 2024-08-14. Review status: criteria provided, single submitter. Criteria: Invitae Variant Classification Sherloc (09022015). Collection method: clinical testing. Allele origin: germline.
Comment: This sequence change replaces tyrosine, which is neutral and polar, with asparagine, which is neutral and polar, at codon 467 of the GARS protein (p.Tyr467Asn). This variant is present in population databases (rs368388267, gnomAD 0.0009%). This variant has not been reported in the literature in individuals affected with GARS-related conditions. ClinVar contains an entry for this variant (Variation ID: 1060272). Invitae Evidence Modeling of protein sequence and biophysical properties (such as structural, functional, and spatial information, amino acid conservation, physicochemical variation, residue mobility, and thermodynamic stability) has been performed for this missense variant. However, the output from this modeling did not meet the statistical confidence thresholds required to predict the impact of this variant on GARS protein function. In summary, the available evidence is currently insufficient to determine the role of this variant in disease. Therefore, it has been classified as a Variant of Uncertain Significance.

GeneDx
Classification: Uncertain significance. Last evaluated: 2022-12-29. Review status: criteria provided, single submitter. Criteria: GeneDx Variant Classification Process June 2021. Collection method: clinical testing. Allele origin: germline. Affected: yes.
Comment: Not observed at significant frequency in large population cohorts (gnomAD); In silico analysis supports that this missense variant has a deleterious effect on protein structure/function; Has not been previously published as pathogenic or benign to our knowledge; This variant is associated with the following publications: (PMID: 26503042, 26138142, 25168514)

NM_002047.4(GARS1):c.1399T>A (p.Tyr467Asn)

Gene: GARS1 (glycyl-tRNA synthetase 1; plus strand). Cytogenetic location: 7p14.3.
Variant type: single nucleotide variant.
Coding change: c.1399T>A on transcript NM_002047.4 (MANE Select); coding-DNA position 1399, T replaced by A.
Protein change: p.Tyr467Asn; replaces tyrosine 467 with asparagine.
Molecular consequence: missense variant.
Genome position (GRCh38, 1-based): chr7:30,621,432, T>A. VCF-style: chr7-30621432-T-A. GRCh37 (hg19) VCF-style: chr7-30661048-T-A.
Other names: c.1399T>A (NM_002047.2); c.1237T>A, p.Tyr413Asn (NM_001316772.1); short protein forms Y413N, Y467N.
Identifiers: ClinVar variation 1060272 (VCV001060272.9), dbSNP rs368388267, ClinGen allele CA4205972.
Genomic context (GRCh38, chr7:30,621,432, plus strand): 5'-TTATTGATTATATCTTTTTAGGGTTGGATTGAGATTGTTGGATGTGCTGATCGTTCCTGT[T>A]ATGACCTCTCCTGTCATGCACGAGCCACCAAAGTCCCACTTGTAGCTGAGAAACCTCTGA-3'
Protein context (NP_002038.2, residues 457-477): EIVGCADRSC[Tyr467Asn]DLSCHARATK